The following is an entry in ClinVar:

ClinVar aggregate classification (germline): Uncertain significance (1 of 4 stars; one submission).

Conditions:
Emery-Dreifuss muscular dystrophy 5, autosomal dominant (EDMD5). Also called: EMERY-DREIFUSS MUSCULAR DYSTROPHY 5. Identifiers: Orphanet 261, MedGen C2751805, MONDO:0013072, OMIM 612999.

Allele frequency attached by ClinVar (database versions not stated): gnomAD exomes below 0.00001; TOPMed below 0.00001; ExAC 0.00002.
gnomAD v4.1: 2 of 1,579,218 alleles (0.00013%); highest among the groups gnomAD compares: Admixed American, 0.0033%; no homozygotes.

Submission:

Labcorp Genetics (formerly Invitae), Labcorp
Classification: Uncertain significance for Emery-Dreifuss muscular dystrophy 5, autosomal dominant. Last evaluated: 2022-08-03. Review status: criteria provided, single submitter. Criteria: Invitae Variant Classification Sherloc (09022015). Collection method: clinical testing. Allele origin: germline.
Comment: Algorithms developed to predict the effect of sequence changes on RNA splicing suggest that this variant may create or strengthen a splice site. In summary, the available evidence is currently insufficient to determine the role of this variant in disease. Therefore, it has been classified as a Variant of Uncertain Significance. Algorithms developed to predict the effect of missense changes on protein structure and function (SIFT, PolyPhen-2, Align-GVGD) all suggest that this variant is likely to be tolerated. This variant has not been reported in the literature in individuals affected with SYNE2-related conditions. This variant is present in population databases (rs757271546, gnomAD 0.009%). This sequence change replaces cysteine, which is neutral and slightly polar, with phenylalanine, which is neutral and non-polar, at codon 568 of the SYNE2 protein (p.Cys568Phe).

NM_182914.3(SYNE2):c.1703G>T (p.Cys568Phe)

Gene: SYNE2 (spectrin repeat containing nuclear envelope protein 2; plus strand). Cytogenetic location: 14q23.2.
Variant type: single nucleotide variant.
Coding change: c.1703G>T on transcript NM_182914.3 (MANE Select); coding-DNA position 1703, G replaced by T.
Protein change: p.Cys568Phe; replaces cysteine 568 with phenylalanine.
Molecular consequence: missense variant.
Genome position (GRCh38, 1-based): chr14:63,981,040, G>T. VCF-style: chr14-63981040-G-T. GRCh37 (hg19) VCF-style: chr14-64447758-G-T.
Other names: c.1703G>T, p.Cys568Phe (NM_015180.6); short protein forms C568F.
Identifiers: ClinVar variation 2187519 (VCV002187519.4), dbSNP rs757271546, ClinGen allele CA7219505.